The following is an entry in ClinVar:

NM_000038.6(APC):c.3352A>C (p.Asn1118His)

Gene: APC (APC regulator of Wnt signaling pathway; plus strand). Cytogenetic location: 5q22.2.
Variant type: single nucleotide variant.
Coding change: c.3352A>C on transcript NM_000038.6 (MANE Select); coding-DNA position 3352, A replaced by C.
Protein change: p.Asn1118His; replaces asparagine 1118 with histidine.
Molecular consequence: missense variant.
Genome position (GRCh38, 1-based): chr5:112,838,946, A>C. VCF-style: chr5-112838946-A-C. GRCh37 (hg19) VCF-style: chr5-112174643-A-C.
Other names: c.3352A>C, p.Asn1118His (NM_001127510.3, NM_001354895.2, NM_001407450.1); c.3298A>C, p.Asn1100His (NM_001127511.3); c.3406A>C, p.Asn1136His (NM_001354896.2, NM_001407447.1, NM_001407448.1 and 1 more transcripts); c.3382A>C, p.Asn1128His (NM_001354897.2); c.3277A>C, p.Asn1093His (NM_001354898.2); c.3268A>C, p.Asn1090His (NM_001354899.2); c.3229A>C, p.Asn1077His (NM_001354900.2); c.3175A>C, p.Asn1059His (NM_001354901.2, NM_001407453.1); and 11 more; short protein forms N1017H, N1059H, N1108H, N1128H, N989H, N992H, N1090H, N1100H.
Identifiers: ClinVar variation 1730527 (VCV001730527.7), dbSNP rs140493115, ClinGen allele CA16028675.

ClinVar aggregate classification (germline): Uncertain significance. Review status: criteria provided, multiple submitters, no conflicts (2 of 4 stars). 3 submissions from 3 submitters: Uncertain significance (3). Last evaluated 2024-07-24.

Conditions:
Hereditary cancer-predisposing syndrome. Also called: Neoplastic Syndromes, Hereditary; Tumor predisposition; Hereditary Cancer Syndrome; Hereditary neoplastic syndrome. Identifiers: Orphanet 140162, MedGen C0027672, MeSH D009386, MONDO:0015356.
Familial adenomatous polyposis 1 (FAP1). Also called: FAMILIAL ADENOMATOUS POLYPOSIS 1, ATTENUATED; POLYPOSIS, ADENOMATOUS INTESTINAL. Identifiers: MedGen C2713442, MONDO:0021056, OMIM 175100. Disease mechanism: loss of function.

Submissions (3):

Labcorp Genetics (formerly Invitae), Labcorp
Classification: Uncertain significance for Familial adenomatous polyposis 1. Last evaluated: 2024-07-24. Review status: criteria provided, single submitter. Criteria: Invitae Variant Classification Sherloc (09022015). Collection method: clinical testing. Allele origin: germline.
Comment: This sequence change replaces asparagine, which is neutral and polar, with histidine, which is basic and polar, at codon 1118 of the APC protein (p.Asn1118His). This variant is not present in population databases (gnomAD no frequency). This variant has not been reported in the literature in individuals affected with APC-related conditions. ClinVar contains an entry for this variant (Variation ID: 1730527). Advanced modeling of protein sequence and biophysical properties (such as structural, functional, and spatial information, amino acid conservation, physicochemical variation, residue mobility, and thermodynamic stability) performed at Invitae indicates that this missense variant is not expected to disrupt APC protein function with a negative predictive value of 95%. In summary, the available evidence is currently insufficient to determine the role of this variant in disease. Therefore, it has been classified as a Variant of Uncertain Significance.

Color Diagnostics, LLC DBA Color Health
Classification: Uncertain significance for Hereditary cancer-predisposing syndrome. Last evaluated: 2023-01-13. Review status: criteria provided, single submitter. Criteria: ACMG Guidelines, 2015. Collection method: clinical testing. Allele origin: germline.
Comment: This missense variant replaces asparagine with histidine at codon 1118 of the APC protein. Computational prediction suggests that this variant may not impact protein structure and function (internally defined REVEL score threshold <= 0.5, PMID: 27666373). To our knowledge, functional studies have not been reported for this variant. This variant has not been reported in individuals affected with APC-related disorders in the literature. This variant has not been identified in the general population by the Genome Aggregation Database (gnomAD). The available evidence is insufficient to determine the role of this variant in disease conclusively. Therefore, this variant is classified as a Variant of Uncertain Significance.

Ambry Genetics
Classification: Uncertain significance for Hereditary cancer-predisposing syndrome. Last evaluated: 2021-06-02. Review status: criteria provided, single submitter. Criteria: Ambry Variant Classification Scheme 2023. Collection method: clinical testing. Allele origin: germline.
Comment: The p.N1118H variant (also known as c.3352A>C), located in coding exon 15 of the APC gene, results from an A to C substitution at nucleotide position 3352. The asparagine at codon 1118 is replaced by histidine, an amino acid with similar properties. This amino acid position is not well conserved in available vertebrate species. In addition, in silico predictors for this gene do not accurately predict pathogenicity. Since supporting evidence is limited at this time, the clinical significance of this alteration remains unclear.